The following is an entry in ClinVar:

ClinVar aggregate classification (germline): Uncertain significance (1 of 4 stars; one submission).

gnomAD v4.1: 4 of 1,614,060 alleles (0.00025%); highest among the groups gnomAD compares: Non-Finnish European, 0.00034%; no homozygotes.

Submission:

GeneDx
Classification: Uncertain significance. Last evaluated: 2023-10-16. Review status: criteria provided, single submitter. Criteria: GeneDx Variant Classification Process June 2021. Collection method: clinical testing. Allele origin: germline. Affected: yes.
Comment: Not observed at significant frequency in large population cohorts (gnomAD); In silico analysis supports that this missense variant does not alter protein structure/function; Has not been previously published as pathogenic or benign to our knowledge

NM_005121.3(MED13):c.4912G>T (p.Ala1638Ser)

Gene: MED13 (mediator complex subunit 13; minus strand). Cytogenetic location: 17q23.2.
Variant type: single nucleotide variant.
Coding change: c.4912G>T on transcript NM_005121.3 (MANE Select); coding-DNA position 4912, G replaced by T.
Protein change: p.Ala1638Ser; replaces alanine 1638 with serine.
Molecular consequence: missense variant.
Genome position (GRCh38, 1-based): chr17:61,962,904, C>A on the plus strand (G>T on the coding strand, the complement: MED13 is on the minus strand). VCF-style: chr17-61962904-C-A. GRCh37 (hg19) VCF-style: chr17-60040265-C-A.
Other names: short protein forms A1638S.
Identifiers: ClinVar variation 3366130 (VCV003366130.1).
Genomic context (GRCh38, chr17:61,962,904, plus strand): 5'-AGTTAGTGCTCTCGTCTGTATTTTCGTATGTAAAAGGATCAATTATATAAACAACAATTG[C>A]AGGTGGATACGTGACTGCATGTGAATCACCATCTGTGGGGATTCCCACTTTATCCCGATC-3'
Protein context (NP_005112.2, residues 1628-1648): GDSHAVTYPP[Ala1638Ser]IVVYIIDPFT